The following is an entry in ClinVar:

ClinVar aggregate classification (germline): Pathogenic (1 of 4 stars; one submission).

Conditions:
Cohen syndrome (COH1). Also called: Cutis verticis gyrata, retinitis pigmentosa, and sensorineural deafness; PEPPER SYNDROME. Identifiers: Orphanet 193, MedGen C0265223, MONDO:0008999, OMIM 216550.

Submission:

Labcorp Genetics (formerly Invitae), Labcorp
Classification: Pathogenic for Cohen syndrome. Last evaluated: 2022-11-17. Review status: criteria provided, single submitter. Criteria: Invitae Variant Classification Sherloc (09022015). Collection method: clinical testing. Allele origin: germline.
Comment: For these reasons, this variant has been classified as Pathogenic. This variant has not been reported in the literature in individuals affected with VPS13B-related conditions. This variant is not present in population databases (gnomAD no frequency). This sequence change creates a premature translational stop signal (p.Gln2544*) in the VPS13B gene. It is expected to result in an absent or disrupted protein product. Loss-of-function variants in VPS13B are known to be pathogenic (PMID: 15141358, 16648375, 20461111).

Literature cited by the submitters: PubMed 15141358; PubMed 16648375; PubMed 20461111.

NM_152564.5(VPS13B):c.7555C>T (p.Gln2519Ter)

Gene: VPS13B (vacuolar protein sorting 13 homolog B; plus strand). Cytogenetic location: 8q22.2.
Variant type: single nucleotide variant.
Coding change: c.7555C>T on transcript NM_152564.5 (MANE Select); coding-DNA position 7555, C replaced by T.
Protein change: p.Gln2519Ter; replaces glutamine 2519 with a stop codon.
Molecular consequence: nonsense.
Genome position (GRCh38, 1-based): chr8:99,778,807, C>T. VCF-style: chr8-99778807-C-T. GRCh37 (hg19) VCF-style: chr8-100791035-C-T.
Other names: c.7630C>T, p.Gln2544Ter (NM_017890.5); short protein forms Q2519*, Q2544*.
Identifiers: ClinVar variation 2814899 (VCV002814899.3), dbSNP rs2491842475, ClinGen allele CA371876214.